The following is an entry in ClinVar:

ClinVar aggregate classification (germline): Likely pathogenic (1 of 4 stars; one submission).

Conditions:
Moyamoya disease 2 (MYMY2). Also called: MOYAMOYA DISEASE 2, SUSCEPTIBILITY TO. Identifiers: Orphanet 2573, MedGen C1846689, MONDO:0011784, OMIM 607151.

Submission:

Centre of Medical Genetics, University Hospital Muenster
Classification: Likely pathogenic for Moyamoya disease 2. Last evaluated: 2022-10-17. Review status: criteria provided, single submitter. Criteria: ACMG Guidelines, 2015. Collection method: clinical testing. Allele origin: de novo. Affected: yes. Observed: 1 variant allele, 1 heterozygote.
Comment: ACMG categories: PS2,PM2,PP3

NM_001256071.3(RNF213):c.12050G>A (p.Cys4017Tyr)

Genes: RNF213 (ring finger protein 213; plus strand), RNF213-AS1 (RNF213 antisense RNA 1; minus strand). Cytogenetic location: 17q25.3.
Variant type: single nucleotide variant.
Coding change: c.12050G>A on transcript NM_001256071.3 (MANE Select); coding-DNA position 12050, G replaced by A.
Protein change: p.Cys4017Tyr; replaces cysteine 4017 with tyrosine.
Molecular consequence: missense variant.
Genome position (GRCh38, 1-based): chr17:80,368,038, G>A. VCF-style: chr17-80368038-G-A. GRCh37 (hg19) VCF-style: chr17-78341838-G-A.
Other names: c.12197G>A, p.Cys4066Tyr (NM_001410195.1, NM_020914.5); short protein forms C4017Y, C4066Y.
Identifiers: ClinVar variation 2430341 (VCV002430341.2), dbSNP rs2511483243, ClinGen allele CA401409110.